The following is an entry in ClinVar:

ClinVar aggregate classification (germline): Uncertain significance (1 of 4 stars; one submission).

Conditions:
Deficiency of alpha-mannosidase (MANSA). Also called: Mannosidosis, alpha-, types I and II; LYSOSOMAL ALPHA-D-MANNOSIDASE DEFICIENCY; Alpha-Mannosidosis. Identifiers: Orphanet 61, MedGen C0024748, MONDO:0009561, OMIM 248500.

gnomAD v4.1: 14 of 1,613,916 alleles (0.00087%); highest among the groups gnomAD compares: Non-Finnish European, 0.0011%; no homozygotes.

Submission:

Labcorp Genetics (formerly Invitae), Labcorp
Classification: Uncertain significance for Deficiency of alpha-mannosidase. Last evaluated: 2024-11-23. Review status: criteria provided, single submitter. Criteria: Invitae Variant Classification Sherloc (09022015). Collection method: clinical testing. Allele origin: germline.
Comment: This sequence change replaces arginine, which is basic and polar, with histidine, which is basic and polar, at codon 115 of the MAN2B1 protein (p.Arg115His). This variant is not present in population databases (gnomAD no frequency). This variant has not been reported in the literature in individuals affected with MAN2B1-related conditions. Invitae Evidence Modeling of protein sequence and biophysical properties (such as structural, functional, and spatial information, amino acid conservation, physicochemical variation, residue mobility, and thermodynamic stability) has been performed for this missense variant. However, the output from this modeling did not meet the statistical confidence thresholds required to predict the impact of this variant on MAN2B1 protein function. In summary, the available evidence is currently insufficient to determine the role of this variant in disease. Therefore, it has been classified as a Variant of Uncertain Significance.

NM_000528.4(MAN2B1):c.344G>A (p.Arg115His)

Gene: MAN2B1 (mannosidase alpha class 2B member 1; minus strand). Cytogenetic location: 19p13.13.
Variant type: single nucleotide variant.
Coding change: c.344G>A on transcript NM_000528.4 (MANE Select); coding-DNA position 344, G replaced by A.
Protein change: p.Arg115His; replaces arginine 115 with histidine.
Molecular consequence: missense variant.
Genome position (GRCh38, 1-based): chr19:12,665,444, C>T on the plus strand (G>A on the coding strand, the complement: MAN2B1 is on the minus strand). VCF-style: chr19-12665444-C-T. GRCh37 (hg19) VCF-style: chr19-12776258-C-T.
Other names: c.344G>A, p.Arg115His (NM_001173498.2); short protein forms R115H.
Identifiers: ClinVar variation 3719606 (VCV003719606.1).